The following is an entry in ClinVar:

NM_032656.4(DHX37):c.88G>T (p.Val30Leu)

Genes: DHX37 (DEAH-box helicase 37; minus strand), LOC130009166 (ATAC-STARR-seq lymphoblastoid silent region 5073; plus strand). Cytogenetic location: 12q24.31.
Variant type: single nucleotide variant.
Coding change: c.88G>T on transcript NM_032656.4 (MANE Select); coding-DNA position 88, G replaced by T.
Protein change: p.Val30Leu; replaces valine 30 with leucine.
Molecular consequence: missense variant.
Genome position (GRCh38, 1-based): chr12:124,988,935, C>A on the plus strand (G>T on the coding strand, the complement: DHX37 is on the minus strand). VCF-style: chr12-124988935-C-A. GRCh37 (hg19) VCF-style: chr12-125473481-C-A.
Other names: short protein forms V30L.
Identifiers: ClinVar variation 3501668 (VCV003501668.4).

ClinVar aggregate classification (germline): Uncertain significance. Review status: criteria provided, multiple submitters, no conflicts (2 of 4 stars). 3 submissions from 3 submitters: Uncertain significance (3). Last evaluated 2025-01-16.

Conditions:
Inborn genetic diseases. Identifiers: MedGen C0950123, MeSH D030342.

gnomAD v4.1: 25 of 1,335,212 alleles (0.0019%); highest among the groups gnomAD compares: African/African-American, 0.029%; no homozygotes.

Submissions (3):

GeneDx
Classification: Uncertain significance. Last evaluated: 2025-01-16. Review status: criteria provided, single submitter. Criteria: GeneDx Variant Classification Process June 2021. Collection method: clinical testing. Allele origin: germline. Affected: yes.
Comment: In silico analysis indicates that this missense variant does not alter protein structure/function; Has not been previously published as pathogenic or benign to our knowledge

Ambry Genetics
Classification: Uncertain significance for Inborn genetic diseases. Last evaluated: 2024-11-07. Review status: criteria provided, single submitter. Criteria: Ambry Variant Classification Scheme 2023. Collection method: clinical testing. Allele origin: germline.

Labcorp Genetics (formerly Invitae), Labcorp
Classification: Uncertain significance. Last evaluated: 2024-03-26. Review status: criteria provided, single submitter. Criteria: Invitae Variant Classification Sherloc (09022015). Collection method: clinical testing. Allele origin: germline.
Comment: This sequence change replaces valine, which is neutral and non-polar, with leucine, which is neutral and non-polar, at codon 30 of the DHX37 protein (p.Val30Leu). This variant is present in population databases (rs371875679, gnomAD 0.04%). This variant has not been reported in the literature in individuals affected with DHX37-related conditions. An algorithm developed to predict the effect of missense changes on protein structure and function (PolyPhen-2) suggests that this variant is likely to be tolerated. In summary, the available evidence is currently insufficient to determine the role of this variant in disease. Therefore, it has been classified as a Variant of Uncertain Significance.